The following is an entry in ClinVar:

NM_001110556.2(FLNA):c.4475-4C>T

Gene: FLNA (filamin A; minus strand). Cytogenetic location: Xq28.
Variant type: single nucleotide variant.
Coding change: c.4475-4C>T on transcript NM_001110556.2 (MANE Select); 4 bases into the intron before coding-DNA position 4475, C replaced by T.
Molecular consequence: intron variant.
Genome position (GRCh38, 1-based): chrX:154,358,572, G>A on the plus strand (C>T on the coding strand, the complement: FLNA is on the minus strand). VCF-style: chrX-154358572-G-A. GRCh37 (hg19) VCF-style: chrX-153586940-G-A.
Other names: p.?; c.4475-4C>T (NM_001456.4).
Identifiers: ClinVar variation 391832 (VCV000391832.23), dbSNP rs199652065, ClinGen allele CA16608802.
Genomic context (GRCh38, chrX:154,358,572, plus strand): 5'-AATTGACGGTCTGGGTGCCATCAGCGTTGTCTACCACGTCCACTGGCTCCACCAGGCCTG[G>A]CCCCAGCCCCAGGGACAGAGCATCAGCTAGTCTCCTGGGCCTCCATTCCTACCCCACCAC-3'

ClinVar aggregate classification (germline): Likely benign. Review status: criteria provided, multiple submitters, no conflicts (2 of 4 stars). 7 submissions from 7 submitters: Likely benign (7). Last evaluated 2025-11-02.

Conditions:
Oto-palato-digital syndrome, type II (OPD2). Also called: OPD II SYNDROME; Otopalatodigital Syndrome, Type II; FACIOPALATOOSSEOUS SYNDROME; Otopalatodigital Syndrome Type 2 (FLNA-OPD2). Identifiers: Orphanet 669, Orphanet 90652, MedGen C1844696, MONDO:0010571, OMIM 304120.
Melnick-Needles syndrome (MNS). Also called: MELNICK-NEEDLES OSTEODYSPLASTY; OSTEODYSPLASTY OF MELNICK AND NEEDLES; Melnick-Needles Syndrome (FLNA-MNS). Identifiers: Orphanet 2484, MedGen C0025237, MONDO:0010650, OMIM 309350.
Heterotopia, periventricular, X-linked dominant (PVNH1). Also called: PERIVENTRICULAR NODULAR HETEROTOPIA 1; X-linked periventricular heterotopia; PERIVENTRICULAR NODULAR HETEROTOPIA 4; HETEROTOPIA, PERIVENTRICULAR, 1. Identifiers: Orphanet 2149, Orphanet 82004, MedGen C1848213, MONDO:0010233, OMIM 300049.
Frontometaphyseal dysplasia (FMD1). Identifiers: Orphanet 1826, MedGen C0265293, MONDO:0015942.
FLNA-related disorder.
Familial thoracic aortic aneurysm and aortic dissection (TAAD). Also called: Thoracic aortic aneurysms and dissections. Identifiers: Orphanet 91387, MedGen C4707243, MONDO:0019625.

Allele frequency attached by ClinVar (database versions not stated): gnomAD exomes 0.00001 and 0.00002; TOPMed 0.00003; gnomAD 0.00005.
gnomAD v4.1: 14 of 1,206,386 alleles (0.0012%); highest among the groups gnomAD compares: African/African-American, 0.0053%; no homozygotes.

Submissions (7):

Labcorp Genetics (formerly Invitae), Labcorp
Classification: Likely benign for Oto-palato-digital syndrome, type II; Heterotopia, periventricular, X-linked dominant; Frontometaphyseal dysplasia; Melnick-Needles syndrome. Last evaluated: 2025-11-02. Review status: criteria provided, single submitter. Criteria: Invitae Variant Classification Sherloc (09022015). Collection method: clinical testing. Allele origin: germline.

PreventionGenetics, part of Exact Sciences
Classification: Likely benign for FLNA-related condition. Last evaluated: 2025-01-22. Review status: criteria provided, single submitter. Criteria: ACMG Guidelines, 2015. Collection method: clinical testing. Allele origin: germline.
Comment: This variant is classified as likely benign based on ACMG/AMP sequence variant interpretation guidelines (Richards et al. 2015 PMID: 25741868, with internal and published modifications).

Ambry Genetics
Classification: Likely benign for Familial thoracic aortic aneurysm and aortic dissection. Last evaluated: 2025-01-02. Review status: criteria provided, single submitter. Criteria: Ambry Variant Classification Scheme 2023. Collection method: clinical testing. Allele origin: germline.

Mayo Clinic Laboratories, Mayo Clinic
Classification: Likely benign. Last evaluated: 2024-12-03. Review status: criteria provided, single submitter. Criteria: ACMG Guidelines, 2015. Collection method: clinical testing. Allele origin: germline. Observed: 1 variant allele.
Comment: BS2_supporting

Blueprint Genetics
Classification: Likely benign. Last evaluated: 2020-12-31. Review status: criteria provided, single submitter. Criteria: ACMG Guidelines, 2015. Collection method: clinical testing. Allele origin: germline.

Athena Diagnostics
Classification: Likely benign. Last evaluated: 2020-01-13. Review status: criteria provided, single submitter. Criteria: Athena Diagnostics Criteria. Collection method: clinical testing. Allele origin: unknown.

GeneDx
Classification: Likely benign. Last evaluated: 2019-03-21. Review status: criteria provided, single submitter. Criteria: GeneDx Variant Classification Process June 2021. Collection method: clinical testing. Allele origin: germline. Affected: yes.